The following is an entry in ClinVar:

ClinVar aggregate classification (germline): Conflicting classifications of pathogenicity. Review status: criteria provided, conflicting classifications (1 of 4 stars). 4 submissions from 4 submitters: Uncertain significance (3); Likely benign (1). Last evaluated 2025-12-08.

Conditions:
Intellectual disability, autosomal dominant 16 (CSS4). Also called: COFFIN-SIRIS SYNDROME 4. Identifiers: Orphanet 1465, MedGen C3553249, MONDO:0013821, OMIM 614609.
Hereditary cancer-predisposing syndrome. Also called: Tumor predisposition; Hereditary Cancer Syndrome; Hereditary neoplastic syndrome; Neoplastic Syndromes, Hereditary. Identifiers: Orphanet 140162, MedGen C0027672, MeSH D009386, MONDO:0015356.
Rhabdoid tumor predisposition syndrome 2 (RTPS2). Identifiers: Orphanet 231108, Orphanet 69077, MedGen C2750074, MONDO:0013224, OMIM 613325.

Allele frequency attached by ClinVar (database versions not stated): gnomAD exomes below 0.00001; gnomAD 0.00001.
gnomAD v4.1: 6 of 1,613,886 alleles (0.00037%); highest among the groups gnomAD compares: Non-Finnish European, 0.00051%; no homozygotes.

Submissions (4):

Labcorp Genetics (formerly Invitae), Labcorp
Classification: Uncertain significance for Rhabdoid tumor predisposition syndrome 2. Last evaluated: 2025-12-08. Review status: criteria provided, single submitter. Criteria: Invitae Variant Classification Sherloc (09022015). Collection method: clinical testing. Allele origin: germline.
Comment: This sequence change replaces proline, which is neutral and non-polar, with leucine, which is neutral and non-polar, at codon 653 of the SMARCA4 protein (p.Pro653Leu). This variant is present in population databases (rs774927302, gnomAD 0.06%). This variant has not been reported in the literature in individuals affected with SMARCA4-related conditions. ClinVar contains an entry for this variant (Variation ID: 486482). Invitae Evidence Modeling of protein sequence and biophysical properties (such as structural, functional, and spatial information, amino acid conservation, physicochemical variation, residue mobility, and thermodynamic stability) indicates that this missense variant is expected to disrupt SMARCA4 protein function with a positive predictive value of 95%. In summary, the available evidence is currently insufficient to determine the role of this variant in disease. Therefore, it has been classified as a Variant of Uncertain Significance.

GeneDx
Classification: Uncertain significance. Last evaluated: 2024-08-27. Review status: criteria provided, single submitter. Criteria: GeneDx Variant Classification Process June 2021. Collection method: clinical testing. Allele origin: germline. Affected: yes.
Comment: In silico analysis supports that this missense variant has a deleterious effect on protein structure/function; Has not been previously published as pathogenic or benign to our knowledge; This variant is associated with the following publications: (PMID: 24658002)

Ambry Genetics
Classification: Likely benign for Hereditary cancer-predisposing syndrome. Last evaluated: 2021-11-29. Review status: criteria provided, single submitter. Criteria: Ambry Variant Classification Scheme 2023. Collection method: clinical testing. Allele origin: germline.

Genome-Nilou Lab
Classification: Uncertain significance for Intellectual disability, autosomal dominant 16. Last evaluated: 2021-07-15. Review status: criteria provided, single submitter. Criteria: ACMG Guidelines, 2015. Collection method: clinical testing. Allele origin: germline. Affected: no.

NM_003072.5(SMARCA4):c.1958C>T (p.Pro653Leu)

Gene: SMARCA4 (SWI/SNF related BAF chromatin remodeling complex subunit ATPase 4; plus strand). Cytogenetic location: 19p13.2.
Variant type: single nucleotide variant.
Coding change: c.1958C>T on transcript NM_003072.5 (MANE Select); coding-DNA position 1958, C replaced by T.
Protein change: p.Pro653Leu; replaces proline 653 with leucine.
Molecular consequence: missense variant. On other transcripts: non-coding transcript variant (1).
Genome position (GRCh38, 1-based): chr19:11,003,354, C>T. VCF-style: chr19-11003354-C-T. GRCh37 (hg19) VCF-style: chr19-11114030-C-T.
Other names: c.1958C>T, p.Pro653Leu (NM_001128844.3, NM_001128845.2, NM_001128846.2 and 5 more transcripts); short protein forms P653L.
Identifiers: ClinVar variation 486482 (VCV000486482.19), dbSNP rs774927302, ClinGen allele CA305256694.
Genomic context (GRCh38, chr19:11,003,354, plus strand): 5'-GCTGGCTCTGAGCAGATTTGTATGAAAGCCCTTACATTTTTTCTAGGTATGAAGTAGCTC[C>T]GAGGTCTGATAGTGAAGAAAGTGGCTCAGAAGAAGAGGAAGAGGTAAGAGTGCATTTCCT-3'
Protein context (NP_003063.2, residues 643-663): LEMNPGYEVA[Pro653Leu]RSDSEESGSE